The following is an entry in ClinVar:

ClinVar aggregate classification (germline): Uncertain significance. Review status: criteria provided, multiple submitters, no conflicts (2 of 4 stars). 2 submissions from 2 submitters: Uncertain significance (2). Last evaluated 2025-06-12.

Conditions:
Early-infantile DEE. Also called: Ohtahara syndrome; Early infantile epileptic encephalopathy with suppression bursts; Early infantile epileptic encephalopathy. Identifiers: Orphanet 1934, MedGen C0393706, MONDO:0800491.

Allele frequency attached by ClinVar (database versions not stated): gnomAD exomes below 0.00001; gnomAD 0.00001.
gnomAD v4.1: 2 of 1,598,580 alleles (0.00013%); highest among the groups gnomAD compares: Non-Finnish European, 0.00017%; no homozygotes.

Submissions (2):

GeneDx
Classification: Uncertain significance. Last evaluated: 2025-06-12. Review status: criteria provided, single submitter. Criteria: GeneDx Variant Classification Process June 2021. Collection method: clinical testing. Allele origin: germline. Affected: yes.
Comment: Not observed at significant frequency in large population cohorts (gnomAD); In silico analysis supports that this missense variant has a deleterious effect on protein structure/function; Has not been previously published as pathogenic or benign to our knowledge; This substitution is predicted to be within the extracellular loop between the S1 and S2 transmembrane segments of the first homologous domain

Labcorp Genetics (formerly Invitae), Labcorp
Classification: Uncertain significance for Early-infantile DEE. Last evaluated: 2025-01-31. Review status: criteria provided, single submitter. Criteria: Invitae Variant Classification Sherloc (09022015). Collection method: clinical testing. Allele origin: germline.
Comment: This sequence change replaces proline, which is neutral and non-polar, with leucine, which is neutral and non-polar, at codon 151 of the SCN1A protein (p.Pro151Leu). This variant is not present in population databases (gnomAD no frequency). This variant has not been reported in the literature in individuals affected with SCN1A-related conditions. ClinVar contains an entry for this variant (Variation ID: 1006254). Invitae Evidence Modeling of protein sequence and biophysical properties (such as structural, functional, and spatial information, amino acid conservation, physicochemical variation, residue mobility, and thermodynamic stability) indicates that this missense variant is expected to disrupt SCN1A protein function with a positive predictive value of 95%. Algorithms developed to predict the effect of sequence changes on RNA splicing suggest that this variant may disrupt the consensus splice site. In summary, the available evidence is currently insufficient to determine the role of this variant in disease. Therefore, it has been classified as a Variant of Uncertain Significance.

NM_001165963.4(SCN1A):c.452C>T (p.Pro151Leu)

Gene: SCN1A (sodium voltage-gated channel alpha subunit 1; minus strand). Cytogenetic location: 2q24.3.
Variant type: single nucleotide variant.
Coding change: c.452C>T on transcript NM_001165963.4 (MANE Select); coding-DNA position 452, C replaced by T.
Protein change: p.Pro151Leu; replaces proline 151 with leucine.
Molecular consequence: missense variant. On other transcripts: 5 prime UTR variant (1), non-coding transcript variant (1).
Genome position (GRCh38, 1-based): chr2:166,056,432, G>A on the plus strand (C>T on the coding strand, the complement: SCN1A is on the minus strand). VCF-style: chr2-166056432-G-A. GRCh37 (hg19) VCF-style: chr2-166912942-G-A.
Other names: c.452C>T, p.Pro151Leu (NM_001165964.3, NM_001202435.3, NM_001353948.2 and 10 more transcripts); c.-1974C>T (NM_001353961.2); c.452C>T (NM_001165963.1); short protein forms P151L.
Identifiers: ClinVar variation 1006254 (VCV001006254.10), dbSNP rs1699141193, ClinGen allele CA349075895.